The following is an entry in ClinVar:

ClinVar aggregate classification (germline): Uncertain significance. Review status: criteria provided, multiple submitters, no conflicts (2 of 4 stars). 2 submissions from 2 submitters: Uncertain significance (2). Last evaluated 2024-12-08.

gnomAD v4.1: 2 of 1,607,098 alleles (0.00012%); highest among the groups gnomAD compares: African/African-American, 0.0027%; no homozygotes.

Submissions (2):

GeneDx
Classification: Uncertain significance. Last evaluated: 2024-12-08. Review status: criteria provided, single submitter. Criteria: GeneDx Variant Classification Process June 2021. Collection method: clinical testing. Allele origin: germline. Affected: yes.
Comment: Not observed at significant frequency in large population cohorts (gnomAD); In silico analysis indicates that this missense variant does not alter protein structure/function; Has not been previously published as pathogenic or benign to our knowledge

Blueprint Genetics
Classification: Uncertain significance. Last evaluated: 2023-01-04. Review status: criteria provided, single submitter. Criteria: ACMG Guidelines, 2015. Collection method: clinical testing. Allele origin: germline.

NM_018896.5(CACNA1G):c.5882C>T (p.Ser1961Phe)

Gene: CACNA1G (calcium voltage-gated channel subunit alpha1 G; plus strand). Cytogenetic location: 17q21.33.
Variant type: single nucleotide variant.
Coding change: c.5882C>T on transcript NM_018896.5 (MANE Select); coding-DNA position 5882, C replaced by T.
Protein change: p.Ser1961Phe; replaces serine 1961 with phenylalanine.
Molecular consequence: missense variant. On other transcripts: intron variant (20).
Genome position (GRCh38, 1-based): chr17:50,619,783, C>T. VCF-style: chr17-50619783-C-T. GRCh37 (hg19) VCF-style: chr17-48697144-C-T.
Other names: c.5828C>T, p.Ser1943Phe (NM_001256324.2); c.5747C>T, p.Ser1916Phe (NM_001256326.2); c.5849C>T, p.Ser1950Phe (NM_198377.3, NM_198380.3); c.5780C>T, p.Ser1927Phe (NM_198379.3, NM_198396.3); c.5882C>T, p.Ser1961Phe (NM_198385.3); c.5802+775C>T (NM_001256325.2); c.5748+775C>T (NM_198378.3, NM_001256334.2); c.5781+775C>T (NM_198384.3, NM_001256333.2); and 12 more; short protein forms S1916F, S1927F, S1943F, S1950F, S1961F.
Identifiers: ClinVar variation 3901508 (VCV003901508.2).
Genomic context (GRCh38, chr17:50,619,783, plus strand): 5'-GCTCCCTGGAGTGGGAGCTGAAGCTGATGGACGAGCTGGCAGGCCCAGGGGGCCAGCCCT[C>T]TGCCTTCCCTTCTGCCCCCAGCCTGGGAGGCTCCGACCCACAGGTTACTGTGCCCCTGTG-3'
Protein context (NP_061496.2, residues 1951-1971): DELAGPGGQP[Ser1961Phe]AFPSAPSLGG